The following is an entry in ClinVar:

NM_003072.5(SMARCA4):c.4466C>T (p.Pro1489Leu)

Gene: SMARCA4 (SWI/SNF related BAF chromatin remodeling complex subunit ATPase 4; plus strand). Cytogenetic location: 19p13.2.
Variant type: single nucleotide variant.
Coding change: c.4466C>T on transcript NM_003072.5 (MANE Select); coding-DNA position 4466, C replaced by T.
Protein change: p.Pro1489Leu; replaces proline 1489 with leucine.
Molecular consequence: missense variant. On other transcripts: non-coding transcript variant (1).
Genome position (GRCh38, 1-based): chr19:11,058,296, C>T. VCF-style: chr19-11058296-C-T. GRCh37 (hg19) VCF-style: chr19-11168972-C-T.
Other names: c.4466C>T, p.Pro1489Leu (NM_001128844.3); c.4376C>T, p.Pro1459Leu (NM_001128845.2); c.4373C>T, p.Pro1458Leu (NM_001128846.2); c.4367C>T, p.Pro1456Leu (NM_001128847.4, NM_001374457.1); c.4364C>T, p.Pro1455Leu (NM_001128848.2); c.4562C>T, p.Pro1521Leu (NM_001128849.3, NM_001387283.1); c.4463C>T, p.Pro1488Leu (NM_001411150.1); short protein forms P1521L, P1459L, P1456L, P1489L, P1455L, P1458L, P1488L.
Identifiers: ClinVar variation 1741501 (VCV001741501.2), dbSNP rs2147086080, ClinGen allele CA404077499.
Genomic context (GRCh38, chr19:11,058,296, plus strand): 5'-CGCCGGTTCTGCCTTGCAGCAGCAGTGGACGTCAGCTCAGCGAGGTCTTCATCCAGCTGC[C>T]CTCGCGAAAGGAGCTGCCCGAGTACTACGAGCTCATCCGCAAGCCCGTGGACTTCAAGAA-3'
Protein context (NP_003063.2, residues 1479-1499): RQLSEVFIQL[Pro1489Leu]SRKELPEYYE

ClinVar aggregate classification (germline): Uncertain significance (1 of 4 stars; one submission).

Conditions:
Hereditary cancer-predisposing syndrome. Also called: Hereditary Cancer Syndrome; Hereditary neoplastic syndrome; Neoplastic Syndromes, Hereditary; Tumor predisposition. Identifiers: Orphanet 140162, MedGen C0027672, MeSH D009386, MONDO:0015356.

Submission:

Ambry Genetics
Classification: Uncertain significance for Hereditary cancer-predisposing syndrome. Last evaluated: 2015-11-20. Review status: criteria provided, single submitter. Criteria: Ambry Variant Classification Scheme 2023. Collection method: clinical testing. Allele origin: germline.
Comment: The p.P1521L variant (also known as c.4562C>T), located in coding exon 31 of the SMARCA4 gene, results from a C to T substitution at nucleotide position 4562. The proline at codon 1521 is replaced by leucine, an amino acid with some similar properties. This variant was not reported in population based cohorts in the following databases: Database of Single Nucleotide Polymorphisms (dbSNP), NHLBI Exome Sequencing Project (ESP), and 1000 Genomes Project. In the ESP, this variant was not observed in 6503 samples (13006 alleles) with coverage at this position. To date, this alteration has been detected with an allele frequency of approximately 0.003% (greater than 30000 alleles tested) in our clinical cohort. This amino acid position is highly conserved in available vertebrate species. In addition, the in silico prediction for this alteration is inconclusive. Since supporting evidence is limited at this time, the clinical significance of p.P1521L remains unclear.